The following is an entry in ClinVar:

ClinVar aggregate classification (germline): Likely benign. Review status: criteria provided, multiple submitters, no conflicts (2 of 4 stars). 5 submissions from 5 submitters: Likely benign (2). 3 of the submissions do not count toward it. Last evaluated 2026-03-01.

Allele frequency attached by ClinVar (database versions not stated): 1000 Genomes Project 30x 0.00125; 1000 Genomes Project 0.00160; ESP Exome Variant Server 0.00161; gnomAD 0.00168.
gnomAD v4.1: 3,333 of 1,614,056 alleles (0.21%); highest among the groups gnomAD compares: South Asian, 0.88%; 33 homozygotes.

Submissions (5):

CeGaT Center for Human Genetics Tuebingen
Classification: Likely benign. Last evaluated: 2026-03-01. Review status: criteria provided, single submitter. Criteria: CeGaT Center For Human Genetics Tuebingen Variant Classification Criteria Version 2. Collection method: clinical testing. Allele origin: germline. Affected: yes. Observed: 5 variant alleles.
Comment: FLG: BP4, BS2

Breakthrough Genomics
Classification: Likely benign. Review status: criteria provided, single submitter. Criteria: ACMG Guidelines, 2015. Collection method: not provided. Allele origin: germline. Inheritance: Autosomal dominant inheritance. Affected: yes.

Clinical Genetics DNA and cytogenetics Diagnostics Lab, Erasmus MC, Erasmus Medical Center
Classification: Likely benign. Review status: no assertion criteria provided. Collection method: clinical testing. Allele origin: germline. Affected: yes. Study: VKGL Data-share Consensus. Not counted in ClinVar's aggregate classification.

Joint Genome Diagnostic Labs from Nijmegen and Maastricht, Radboudumc and MUMC+
Classification: Likely benign. Review status: no assertion criteria provided. Collection method: clinical testing. Allele origin: germline. Affected: yes. Study: VKGL Data-share Consensus. Not counted in ClinVar's aggregate classification.

Laboratory of Diagnostic Genome Analysis, Leiden University Medical Center (LUMC)
Classification: Likely benign. Review status: no assertion criteria provided. Collection method: clinical testing. Allele origin: germline. Affected: yes. Study: VKGL Data-share Consensus. Not counted in ClinVar's aggregate classification.

NM_002016.2(FLG):c.11674C>T (p.Arg3892Trp)

Genes: CCDST (cervical cancer associated DHX9 suppressive transcript; plus strand), FLG (filaggrin; minus strand). Cytogenetic location: 1q21.3.
Variant type: single nucleotide variant.
Coding change: c.11674C>T on transcript NM_002016.2 (MANE Select); coding-DNA position 11674, C replaced by T.
Protein change: p.Arg3892Trp; replaces arginine 3892 with tryptophan.
Molecular consequence: missense variant.
Genome position (GRCh38, 1-based): chr1:152,303,212, G>A on the plus strand (C>T on the coding strand, the complement: FLG is on the minus strand). VCF-style: chr1-152303212-G-A. GRCh37 (hg19) VCF-style: chr1-152275688-G-A.
Other names: short protein forms R3892W.
Identifiers: ClinVar variation 1205962 (VCV001205962.29), dbSNP rs141128022, ClinGen allele CA1102829.